The following is an entry in ClinVar:

ClinVar aggregate classification (germline): Uncertain significance. Review status: criteria provided, multiple submitters, no conflicts (2 of 4 stars). 2 submissions from 2 submitters: Uncertain significance (2). Last evaluated 2021-06-18.

Conditions:
Parathyroid carcinoma (PRTC). Also called: Parathyroid gland carcinoma; CDC73-Related Parathyroid Carcinoma. Identifiers: Orphanet 143, MedGen C0687150, MONDO:0012004, OMIM 608266, HP:0006780.

Submissions (2):

Blueprint Genetics
Classification: Uncertain significance. Last evaluated: 2021-06-18. Review status: criteria provided, single submitter. Criteria: ACMG Guidelines, 2015. Collection method: clinical testing. Allele origin: germline.

Labcorp Genetics (formerly Invitae), Labcorp
Classification: Uncertain significance for Parathyroid carcinoma. Last evaluated: 2019-11-07. Review status: criteria provided, single submitter. Criteria: Invitae Variant Classification Sherloc (09022015). Collection method: clinical testing. Allele origin: germline.
Comment: This sequence change falls in intron 2 of the CDC73 gene. It does not directly change the encoded amino acid sequence of the CDC73 protein, but it affects a nucleotide within the consensus splice site of the intron. This variant is not present in population databases (ExAC no frequency). This variant has not been reported in the literature in individuals with CDC73-related conditions. Nucleotide substitutions within the consensus splice site are a relatively common cause of aberrant splicing (PMID: 17576681, 9536098). Algorithms developed to predict the effect of sequence changes on RNA splicing suggest that this variant may disrupt the consensus splice site, but this prediction has not been confirmed by published transcriptional studies. In summary, the available evidence is currently insufficient to determine the role of this variant in disease. Therefore, it has been classified as a Variant of Uncertain Significance.

Literature cited by the submitters: PubMed 17576681 (cited by Labcorp Genetics (formerly Invitae), Labcorp); PubMed 9536098 (cited by Labcorp Genetics (formerly Invitae), Labcorp).

NM_024529.5(CDC73):c.237+5G>A

Gene: CDC73 (cell division cycle 73; plus strand). Cytogenetic location: 1q31.2.
Variant type: single nucleotide variant.
Coding change: c.237+5G>A on transcript NM_024529.5 (MANE Select); 5 bases into the intron after coding-DNA position 237, G replaced by A.
Molecular consequence: intron variant.
Genome position (GRCh38, 1-based): chr1:193,125,222, G>A. VCF-style: chr1-193125222-G-A. GRCh37 (hg19) VCF-style: chr1-193094352-G-A.
Identifiers: ClinVar variation 967760 (VCV000967760.9), dbSNP rs1675543609, ClinGen allele CA1139656453.